The following is an entry in ClinVar:

NM_000463.3(UGT1A1):c.288G>A (p.Gly96=)

Genes: UGT1A (UDP glucuronosyltransferase family 1 member A complex locus; plus strand), UGT1A1 (UDP glucuronosyltransferase family 1 member A1; plus strand), UGT1A10 (UDP glucuronosyltransferase family 1 member A10; plus strand), UGT1A3 (UDP glucuronosyltransferase family 1 member A3; plus strand), UGT1A4 (UDP glucuronosyltransferase family 1 member A4; plus strand) and 5 more. Cytogenetic location: 2q37.1.
Variant type: single nucleotide variant.
Coding change: c.288G>A on transcript NM_000463.3 (MANE Select); coding-DNA position 288, G replaced by A.
Protein change: p.Gly96=; no amino-acid change (glycine 96 retained).
Molecular consequence: synonymous variant. On other transcripts: intron variant (9).
Genome position (GRCh38, 1-based): chr2:233,760,575, G>A. VCF-style: chr2-233760575-G-A. GRCh37 (hg19) VCF-style: chr2-234669221-G-A.
Other names: c.856-6459G>A (NM_019076.5, NM_019075.4, NM_021027.3 and 1 more transcripts); c.61-6459G>A (NM_205862.3); c.862-6459G>A (NM_001072.4); c.868-6459G>A (NM_019078.2, NM_007120.3, NM_019093.4).
Identifiers: ClinVar variation 897334 (VCV000897334.5), dbSNP rs769310438, ClinGen allele CA2179802.

ClinVar aggregate classification (germline): Conflicting classifications of pathogenicity. Review status: criteria provided, conflicting classifications (1 of 4 stars). 4 submissions from 2 submitters: Uncertain significance (3); Likely benign (1). Last evaluated 2024-10-11.

Conditions:
Gilbert syndrome. Also called: Gilbert's syndrome; HYPERBILIRUBINEMIA, GILBERT TYPE; HYPERBILIRUBINEMIA I; HYPERBILIRUBINEMIA, ARIAS TYPE; Gilbert Disease. Identifiers: MedGen C0017551, MONDO:0007745, OMIM 143500.
Lucey-Driscoll syndrome (HBLRTFN). Also called: Transient familial neonatal hyperbilirubinemia. Identifiers: Orphanet 2312, MedGen C0270210, MONDO:0009383, OMIM 237900.
Crigler-Najjar syndrome. Identifiers: Orphanet 205, MedGen C5551003, MONDO:0009044.
UGT1A1-related disorder. Also called: UGT1A1-related condition; UGT1A1-related disorders.

Allele frequency attached by ClinVar (database versions not stated): gnomAD exomes below 0.00001; TOPMed below 0.00001; ExAC 0.00001; gnomAD 0.00001.
gnomAD v4.1: 18 of 1,614,108 alleles (0.0011%); highest among the groups gnomAD compares: Non-Finnish European, 0.0015%; no homozygotes.

Submissions (4):

PreventionGenetics, part of Exact Sciences
Classification: Likely benign for UGT1A1-related condition. Last evaluated: 2024-10-11. Review status: criteria provided, single submitter. Criteria: ACMG Guidelines, 2015. Collection method: clinical testing. Allele origin: germline.
Comment: This variant is classified as likely benign based on ACMG/AMP sequence variant interpretation guidelines (Richards et al. 2015 PMID: 25741868, with internal and published modifications).

Illumina Laboratory Services, Illumina
Classification: Uncertain significance for Lucey-Driscoll syndrome. Last evaluated: 2017-04-27. Review status: criteria provided, single submitter. Criteria: ICSL Variant Classification Criteria 13 December 2019. Collection method: clinical testing. Allele origin: germline.

Illumina Laboratory Services, Illumina
Classification: Uncertain significance for Crigler-Najjar syndrome. Last evaluated: 2017-04-27. Review status: criteria provided, single submitter. Criteria: ICSL Variant Classification Criteria 13 December 2019. Collection method: clinical testing. Allele origin: germline.

Illumina Laboratory Services, Illumina
Classification: Uncertain significance for Gilbert syndrome. Last evaluated: 2017-04-27. Review status: criteria provided, single submitter. Criteria: ICSL Variant Classification Criteria 13 December 2019. Collection method: clinical testing. Allele origin: germline.